The following is an entry in ClinVar:

ClinVar aggregate classification (germline): Likely benign. Review status: criteria provided, multiple submitters, no conflicts (2 of 4 stars). 2 submissions from 2 submitters: Likely benign (2). Last evaluated 2025-12-09.

Allele frequency attached by ClinVar (database versions not stated): gnomAD exomes 0.00008 and 0.00032; TOPMed 0.00015; gnomAD 0.00016 and 0.00017; ExAC 0.00028; 1000 Genomes Project 30x 0.00031; 1000 Genomes Project 0.00040.
gnomAD v4.1: 135 of 1,613,624 alleles (0.0084%); highest among the groups gnomAD compares: East Asian, 0.29%; 1 homozygote.

Submissions (2):

Labcorp Genetics (formerly Invitae), Labcorp
Classification: Likely benign. Last evaluated: 2025-12-09. Review status: criteria provided, single submitter. Criteria: Invitae Variant Classification Sherloc (09022015). Collection method: clinical testing. Allele origin: germline.

Mayo Clinic Laboratories, Mayo Clinic
Classification: Likely benign. Last evaluated: 2025-04-15. Review status: criteria provided, single submitter. Criteria: ACMG Guidelines, 2015. Collection method: clinical testing. Allele origin: germline. Observed: 1 variant allele.
Comment: BS1, BP4_moderate

Literature cited by the submitters: PubMed 37207825 (cited by Mayo Clinic Laboratories, Mayo Clinic).

NM_005876.5(SPEG):c.8321C>A (p.Ser2774Tyr)

Genes: ASIC4-AS1 (ASIC4 antisense RNA 1; minus strand), SPEG (striated muscle enriched protein kinase; plus strand). Cytogenetic location: 2q35.
Variant type: single nucleotide variant.
Coding change: c.8321C>A on transcript NM_005876.5 (MANE Select); coding-DNA position 8321, C replaced by A.
Protein change: p.Ser2774Tyr; replaces serine 2774 with tyrosine.
Molecular consequence: missense variant.
Genome position (GRCh38, 1-based): chr2:219,489,339, C>A. VCF-style: chr2-219489339-C-A. GRCh37 (hg19) VCF-style: chr2-220354061-C-A.
Other names: p.Ser2774Tyr; short protein forms S2774Y.
Identifiers: ClinVar variation 1567281 (VCV001567281.9), dbSNP rs78622154, ClinGen allele CA2127466.